The following is an entry in ClinVar:

ClinVar aggregate classification (germline): Uncertain significance (1 of 4 stars; one submission).

Allele frequency attached by ClinVar (database versions not stated): TOPMed below 0.00001; gnomAD exomes 0.00002.
gnomAD v4.1: 24 of 1,614,200 alleles (0.0015%); highest among the groups gnomAD compares: Non-Finnish European, 0.0019%; no homozygotes.

Submission:

Labcorp Genetics (formerly Invitae), Labcorp
Classification: Uncertain significance. Last evaluated: 2022-08-16. Review status: criteria provided, single submitter. Criteria: Invitae Variant Classification Sherloc (09022015). Collection method: clinical testing. Allele origin: germline.
Comment: In summary, the available evidence is currently insufficient to determine the role of this variant in disease. Therefore, it has been classified as a Variant of Uncertain Significance. Algorithms developed to predict the effect of missense changes on protein structure and function are either unavailable or do not agree on the potential impact of this missense change (SIFT: "Deleterious"; PolyPhen-2: "Benign"; Align-GVGD: "Class C0"). This variant has not been reported in the literature in individuals affected with MMP9-related conditions. This variant is present in population databases (no rsID available, gnomAD 0.0009%). This sequence change replaces aspartic acid, which is acidic and polar, with histidine, which is basic and polar, at codon 410 of the MMP9 protein (p.Asp410His).

NM_004994.3(MMP9):c.1228G>C (p.Asp410His)

Gene: MMP9 (matrix metallopeptidase 9; plus strand). Cytogenetic location: 20q13.12.
Variant type: single nucleotide variant.
Coding change: c.1228G>C on transcript NM_004994.3 (MANE Select); coding-DNA position 1228, G replaced by C.
Protein change: p.Asp410His; replaces aspartic acid 410 with histidine.
Molecular consequence: missense variant.
Genome position (GRCh38, 1-based): chr20:46,012,480, G>C. VCF-style: chr20-46012480-G-C. GRCh37 (hg19) VCF-style: chr20-44641119-G-C.
Other names: short protein forms D410H.
Identifiers: ClinVar variation 2879419 (VCV002879419.3), dbSNP rs1243400784, ClinGen allele CA409218471.